The following is an entry in ClinVar:

NM_003900.5(SQSTM1):c.838G>T (p.Glu280Ter)

Gene: SQSTM1 (sequestosome 1; plus strand). Cytogenetic location: 5q35.3.
Variant type: single nucleotide variant.
Coding change: c.838G>T on transcript NM_003900.5 (MANE Select); coding-DNA position 838, G replaced by T.
Protein change: p.Glu280Ter; replaces glutamic acid 280 with a stop codon.
Molecular consequence: nonsense.
Genome position (GRCh38, 1-based): chr5:179,833,115, G>T. VCF-style: chr5-179833115-G-T. GRCh37 (hg19) VCF-style: chr5-179260115-G-T.
Other names: c.586G>T, p.Glu196Ter (NM_001142298.2, NM_001142299.2); short protein forms E196*, E280*.
Identifiers: ClinVar variation 4783866 (VCV004783866.1).
Genomic context (GRCh38, chr5:179,833,115, plus strand): 5'-GAGCACGGAGGGAAAAGAAGCCGCCTGACCCCCGTCTCTCCAGAGAGTTCCAGCACAGAG[G>T]AGAAGAGCAGCTCACAGCCAAGCAGCTGCTGCTCTGACCCCAGCAAGCCGGGTGGGAATG-3'

ClinVar aggregate classification (germline): Pathogenic (1 of 4 stars; one submission).

Conditions:
Frontotemporal dementia and/or amyotrophic lateral sclerosis 1 (FTDALS1). Also called: C9orf72 Frontotemporal Dementia and/or Amyotrophic Lateral Sclerosis; Frontotemporal dementia with motor neuron disease 1. Identifiers: Orphanet 275872, MedGen C5779877, MONDO:0007105, OMIM 105550.
Paget disease of bone 2, early-onset (PDB2). Also called: Paget disease of bone 2. Identifiers: MedGen C4085251, MONDO:0011183, OMIM 602080.

Submission:

Labcorp Genetics (formerly Invitae), Labcorp
Classification: Pathogenic for Paget disease of bone 2, early-onset; Frontotemporal dementia and/or amyotrophic lateral sclerosis 1. Last evaluated: 2025-07-23. Review status: criteria provided, single submitter. Criteria: Invitae Variant Classification Sherloc (09022015). Collection method: clinical testing. Allele origin: germline.
Comment: This sequence change creates a premature translational stop signal (p.Glu280*) in the SQSTM1 gene. It is expected to result in an absent or disrupted protein product. Loss-of-function variants in SQSTM1 are known to be pathogenic (PMID: 27545679, 29959261). This variant is not present in population databases (gnomAD no frequency). This premature translational stop signal has been observed in individual(s) with SQSTM1-related condition (PMID: 37205252). For these reasons, this variant has been classified as Pathogenic.

Literature cited by the submitters: PubMed 27545679; PubMed 29959261; PubMed 37205252.